The following is an entry in ClinVar:

ClinVar aggregate classification (germline): Uncertain significance. Review status: criteria provided, multiple submitters, no conflicts (2 of 4 stars). 4 submissions from 4 submitters: Uncertain significance (4). Last evaluated 2025-12-23.

Conditions:
Hereditary cancer-predisposing syndrome. Also called: Neoplastic Syndromes, Hereditary; Hereditary Cancer Syndrome; Hereditary neoplastic syndrome; Tumor predisposition. Identifiers: Orphanet 140162, MedGen C0027672, MeSH D009386, MONDO:0015356.
Acute myeloid leukemia (AML). Also called: Acute myeloid leukemia, adult; AML adult; Acute non-lymphocytic leukemia; Acute granulocytic leukemia; Leukemia, acute myeloid, somatic; Leukemia, acute myelogenous, somatic. Identifiers: Orphanet 519, MedGen C0023467, MeSH D015470, MONDO:0018874, OMIM 601626, HP:0004808. Disease mechanism: Constitutively activated FLT3.
Piebaldism. Also called: Piebald skin depigmentation. Identifiers: Orphanet 2884, MedGen C0080024, MONDO:0008244, OMIM 172800, HP:0007544.
Gastrointestinal stromal tumor. Also called: Gastrointestinal stroma tumor; Gastrointestinal stromal tumor, somatic. Identifiers: Orphanet 44890, MedGen C0238198, MeSH D046152, MONDO:0011719, OMIM 606764, HP:0100723.
Cutaneous mastocytosis. Also called: MASTOCYTOSIS, MACULOPAPULAR CUTANEOUS. Identifiers: Orphanet 66646, MedGen C1136033, MONDO:0019023, OMIM 154800, HP:0200151.
Germ cell tumor of testis (TGCT). Also called: GERM CELL TUMOR, SOMATIC; Testicular germ cell tumor. Identifiers: Orphanet 363504, MedGen C1336708, MONDO:0010108, OMIM 273300.

Allele frequency attached by ClinVar (database versions not stated): gnomAD 0.00001 and 0.00003; TOPMed 0.00004.
gnomAD v4.1: 15 of 1,612,832 alleles (0.00093%); highest among the groups gnomAD compares: South Asian, 0.0022%; no homozygotes.

Submissions (4):

Labcorp Genetics (formerly Invitae), Labcorp
Classification: Uncertain significance for Gastrointestinal stromal tumor. Last evaluated: 2025-12-23. Review status: criteria provided, single submitter. Criteria: Invitae Variant Classification Sherloc (09022015). Collection method: clinical testing. Allele origin: germline.
Comment: This sequence change replaces serine, which is neutral and polar, with tyrosine, which is neutral and polar, at codon 713 of the KIT protein (p.Ser713Tyr). This variant is present in population databases (rs775274159, gnomAD 0.004%). This variant has not been reported in the literature in individuals affected with KIT-related conditions. ClinVar contains an entry for this variant (Variation ID: 651847). An algorithm developed to predict the effect of missense changes on protein structure and function (PolyPhen-2) suggests that this variant is likely to be tolerated. In summary, the available evidence is currently insufficient to determine the role of this variant in disease. Therefore, it has been classified as a Variant of Uncertain Significance.

Ambry Genetics
Classification: Uncertain significance for Hereditary cancer-predisposing syndrome. Last evaluated: 2024-10-14. Review status: criteria provided, single submitter. Criteria: Ambry Variant Classification Scheme 2023. Collection method: clinical testing. Allele origin: germline.
Comment: The p.S713Y variant (also known as c.2138C>A), located in coding exon 14 of the KIT gene, results from a C to A substitution at nucleotide position 2138. The serine at codon 713 is replaced by tyrosine, an amino acid with dissimilar properties. This amino acid position is conserved. In addition, this alteration is predicted to be tolerated by in silico analysis. Since supporting evidence is limited at this time, the clinical significance of this alteration remains unclear.

Baylor Genetics
Classification: Uncertain significance for Gastrointestinal stromal tumor. Last evaluated: 2024-02-26. Review status: criteria provided, single submitter. Criteria: ACMG Guidelines, 2015. Collection method: clinical testing. Allele origin: unknown.

Fulgent Genetics
Classification: Uncertain significance for Cutaneous mastocytosis; Piebaldism; Germ cell tumor of testis; Acute myeloid leukemia; Gastrointestinal stromal tumor. Last evaluated: 2024-02-20. Review status: criteria provided, single submitter. Criteria: ACMG Guidelines, 2015. Collection method: clinical testing. Allele origin: germline.

NM_000222.3(KIT):c.2138C>A (p.Ser713Tyr)

Gene: KIT (KIT proto-oncogene, receptor tyrosine kinase; plus strand). Cytogenetic location: 4q12.
Variant type: single nucleotide variant.
Coding change: c.2138C>A on transcript NM_000222.3 (MANE Select); coding-DNA position 2138, C replaced by A.
Protein change: p.Ser713Tyr; replaces serine 713 with tyrosine.
Molecular consequence: missense variant.
Genome position (GRCh38, 1-based): chr4:54,729,482, C>A. VCF-style: chr4-54729482-C-A. GRCh37 (hg19) VCF-style: chr4-55595648-C-A.
Other names: c.2126C>A, p.Ser709Tyr (NM_001093772.2, NM_001385286.1); c.2141C>A, p.Ser714Tyr (NM_001385284.1, NM_001385290.1); c.2138C>A, p.Ser713Tyr (NM_001385285.1); c.2129C>A, p.Ser710Tyr (NM_001385288.1, NM_001385292.1); short protein forms S709Y, S713Y, S710Y, S714Y.
Identifiers: ClinVar variation 651847 (VCV000651847.16), dbSNP rs775274159, ClinGen allele CA2923653.